The following is an entry in ClinVar:

NM_001136191.3(KANK2):c.1655C>T (p.Thr552Met)

Gene: KANK2 (KN motif and ankyrin repeat domains 2; minus strand). Cytogenetic location: 19p13.2.
Variant type: single nucleotide variant.
Coding change: c.1655C>T on transcript NM_001136191.3 (MANE Select); coding-DNA position 1655, C replaced by T.
Protein change: p.Thr552Met; replaces threonine 552 with methionine.
Molecular consequence: missense variant.
Genome position (GRCh38, 1-based): chr19:11,176,683, G>A on the plus strand (C>T on the coding strand, the complement: KANK2 is on the minus strand). VCF-style: chr19-11176683-G-A. GRCh37 (hg19) VCF-style: chr19-11287359-G-A.
Other names: c.1655C>T, p.Thr552Met (NM_001329451.2, NM_001379555.1, NM_001379556.1 and 7 more transcripts); c.1679C>T, p.Thr560Met (NM_001379548.1, NM_001379549.1, NM_001379550.1 and 5 more transcripts); short protein forms T552M, T560M.
Identifiers: ClinVar variation 3287315 (VCV003287315.2).
Genomic context (GRCh38, chr19:11,176,683, plus strand): 5'-GGTATGTGCTGAGATTCTCGAGACAGCTGACACTCCTGCCGGCTGGTCTTGGCCGCTGCC[G>A]TCCCTGCAGGCCTGAGCTGGGGGGCTTCGGCCACACTCGGAACCCTCTCCCTCGGCTCTG-3'
Protein context (NP_001129663.1, residues 542-562): AEAPQLRPAG[Thr552Met]AAAKTSRQEC

ClinVar aggregate classification (germline): Uncertain significance. Review status: criteria provided, multiple submitters, no conflicts (2 of 4 stars). 2 submissions from 2 submitters: Uncertain significance (2). Last evaluated 2025-12-21.

Submissions (2):

Labcorp Genetics (formerly Invitae), Labcorp
Classification: Uncertain significance. Last evaluated: 2025-12-21. Review status: criteria provided, single submitter. Criteria: Invitae Variant Classification Sherloc (09022015). Collection method: clinical testing. Allele origin: germline.
Comment: This sequence change replaces threonine, which is neutral and polar, with methionine, which is neutral and non-polar, at codon 552 of the KANK2 protein (p.Thr552Met). This variant is present in population databases (rs774995698, gnomAD 0.01%). This variant has not been reported in the literature in individuals affected with KANK2-related conditions. ClinVar contains an entry for this variant (Variation ID: 3287315). An algorithm developed to predict the effect of missense changes on protein structure and function outputs the following: PolyPhen-2: "Benign". The methionine amino acid residue is found in multiple mammalian species, which suggests that this missense change does not adversely affect protein function. In summary, the available evidence is currently insufficient to determine the role of this variant in disease. Therefore, it has been classified as a Variant of Uncertain Significance.

Ambry Genetics
Classification: Uncertain significance. Last evaluated: 2024-04-18. Review status: criteria provided, single submitter. Criteria: Ambry Variant Classification Scheme 2023. Collection method: clinical testing. Allele origin: germline.